The following is an entry in ClinVar:

NM_030930.4(UNC93B1):c.907G>A (p.Val303Met)

Gene: UNC93B1 (unc-93B1 regulator of TLR signaling; minus strand). Cytogenetic location: 11q13.2.
Variant type: single nucleotide variant.
Coding change: c.907G>A on transcript NM_030930.4 (MANE Select); coding-DNA position 907, G replaced by A.
Protein change: p.Val303Met; replaces valine 303 with methionine.
Molecular consequence: missense variant.
Genome position (GRCh38, 1-based): chr11:67,996,784, C>T on the plus strand (G>A on the coding strand, the complement: UNC93B1 is on the minus strand). VCF-style: chr11-67996784-C-T. GRCh37 (hg19) VCF-style: chr11-67764255-C-T.
Other names: short protein forms V303M.
Identifiers: ClinVar variation 970611 (VCV000970611.5), dbSNP rs1032805418, ClinGen allele CA224213017.

ClinVar aggregate classification (germline): Uncertain significance (1 of 4 stars; one submission).

Conditions:
Encephalopathy, acute, infection-induced (herpes-specific), susceptibility to, 1. Also called: Herpes simplex encephalitis, susceptibility to, 1. Identifiers: Orphanet 1930, MedGen C2750180, MONDO:0024563, OMIM 610551.

Allele frequency attached by ClinVar (database versions not stated): gnomAD 0.00001; TOPMed 0.00001; gnomAD exomes below 0.00001.

Submission:

Labcorp Genetics (formerly Invitae), Labcorp
Classification: Uncertain significance for Encephalopathy, acute, infection-induced (herpes-specific), susceptibility to, 1. Last evaluated: 2021-03-20. Review status: criteria provided, single submitter. Criteria: Invitae Variant Classification Sherloc (09022015). Collection method: clinical testing. Allele origin: germline.
Comment: In summary, the available evidence is currently insufficient to determine the role of this variant in disease. Therefore, it has been classified as a Variant of Uncertain Significance. Algorithms developed to predict the effect of sequence changes on RNA splicing suggest that this variant may disrupt the consensus splice site, but this prediction has not been confirmed by published transcriptional studies. Algorithms developed to predict the effect of missense changes on protein structure and function (SIFT, PolyPhen-2, Align-GVGD) all suggest that this variant is likely to be tolerated, but these predictions have not been confirmed by published functional studies and their clinical significance is uncertain. This variant has not been reported in the literature in individuals with UNC93B1-related conditions. This variant is not present in population databases (ExAC no frequency). This sequence change replaces valine with methionine at codon 303 of the UNC93B1 protein (p.Val303Met). The valine residue is weakly conserved and there is a small physicochemical difference between valine and methionine.